The following is an entry in ClinVar:

ClinVar aggregate classification (germline): Uncertain significance (1 of 4 stars; one submission).

Submission:

Labcorp Genetics (formerly Invitae), Labcorp
Classification: Uncertain significance. Last evaluated: 2023-08-22. Review status: criteria provided, single submitter. Criteria: Invitae Variant Classification Sherloc (09022015). Collection method: clinical testing. Allele origin: germline.
Comment: In summary, the available evidence is currently insufficient to determine the role of this variant in disease. Therefore, it has been classified as a Variant of Uncertain Significance. This sequence change replaces glycine, which is neutral and non-polar, with arginine, which is basic and polar, at codon 1047 of the ALPK3 protein (p.Gly1047Arg). This variant is not present in population databases (gnomAD no frequency). Advanced modeling of protein sequence and biophysical properties (such as structural, functional, and spatial information, amino acid conservation, physicochemical variation, residue mobility, and thermodynamic stability) performed at Invitae indicates that this missense variant is not expected to disrupt ALPK3 protein function. This variant has not been reported in the literature in individuals affected with ALPK3-related conditions.

NM_020778.5(ALPK3):c.2533G>C (p.Gly845Arg)

Gene: ALPK3 (alpha kinase 3; plus strand). Cytogenetic location: 15q25.3.
Variant type: single nucleotide variant.
Coding change: c.2533G>C on transcript NM_020778.5 (MANE Select); coding-DNA position 2533, G replaced by C.
Protein change: p.Gly845Arg; replaces glycine 845 with arginine.
Molecular consequence: missense variant.
Genome position (GRCh38, 1-based): chr15:84,857,271, G>C. VCF-style: chr15-84857271-G-C. GRCh37 (hg19) VCF-style: chr15-85400502-G-C.
Other names: short protein forms G845R.
Identifiers: ClinVar variation 2989973 (VCV002989973.3), dbSNP rs2505720381, ClinGen allele CA393357493.
Genomic context (GRCh38, chr15:84,857,271, plus strand): 5'-GGCCCAGTCGAGGCCAAGCAGGAGGACAGCCCGTTCCAGTGCCCCAAGGAGGAGCGGCCA[G>C]GGGGAGTGCCGTGTATGGATCAGGGTGGCTGTCCTCTAGCTGGCCTGAGCCAGGAGGTAC-3'
Protein context (NP_065829.4, residues 835-855): PFQCPKEERP[Gly845Arg]GVPCMDQGGC